The following is an entry in ClinVar:

ClinVar aggregate classification (germline): Uncertain significance (1 of 4 stars; one submission).

Submission:

Women's Health and Genetics/Laboratory Corporation of America, LabCorp
Classification: Uncertain significance. Last evaluated: 2025-10-08. Review status: criteria provided, single submitter. Criteria: LabCorp Variant Classification Summary - May 2015. Collection method: clinical testing. Allele origin: germline.
Comment: Variant summary: SHANK3 c.1288C>T (p.Arg430Trp) results in a non-conservative amino acid change in the encoded protein sequence. Algorithms developed to predict the effect of missense changes on protein structure and function are either unavailable or do not agree on the potential impact of this missense change. The variant allele was found at a frequency of 1.3e-05 in 148852 control chromosomes. The available data on variant occurrences in the general population are insufficient to allow any conclusion about variant significance. To our knowledge, no occurrence of c.1288C>T in individuals affected with SHANK3-related conditions and no experimental evidence demonstrating its impact on protein function have been reported. No submitters have cited clinical-significance assessments for this variant to ClinVar. Based on the evidence outlined above, the variant was classified as uncertain significance.

NM_001372044.2(SHANK3):c.1288C>T (p.Arg430Trp)

Gene: SHANK3 (SH3 and multiple ankyrin repeat domains 3; plus strand). Cytogenetic location: 22q13.33.
Variant type: single nucleotide variant.
Coding change: c.1288C>T on transcript NM_001372044.2 (MANE Select); coding-DNA position 1288, C replaced by T.
Protein change: p.Arg430Trp; replaces arginine 430 with tryptophan.
Molecular consequence: missense variant.
Genome position (GRCh38, 1-based): chr22:50,694,807, C>T. VCF-style: chr22-50694807-C-T. GRCh37 (hg19) VCF-style: chr22-51133235-C-T.
Other names: short protein forms R430W.
Identifiers: ClinVar variation 4687460 (VCV004687460.1).